The following is an entry in ClinVar:

NM_000271.5(NPC1):c.1475A>G (p.His492Arg)

Gene: NPC1 (NPC intracellular cholesterol transporter 1; minus strand). Cytogenetic location: 18q11.2.
Variant type: single nucleotide variant.
Coding change: c.1475A>G on transcript NM_000271.5 (MANE Select); coding-DNA position 1475, A replaced by G.
Protein change: p.His492Arg; replaces histidine 492 with arginine.
Molecular consequence: missense variant.
Genome position (GRCh38, 1-based): chr18:23,554,836, T>C on the plus strand (A>G on the coding strand, the complement: NPC1 is on the minus strand). VCF-style: chr18-23554836-T-C. GRCh37 (hg19) VCF-style: chr18-21134800-T-C.
Other names: short protein forms H492R.
Identifiers: ClinVar variation 1905473 (VCV001905473.2), dbSNP rs2511275771, ClinGen allele CA401775592.

ClinVar aggregate classification (germline): Uncertain significance (1 of 4 stars; one submission).

Conditions:
Niemann-Pick disease, type C1. Also called: NIEMANN-PICK DISEASE, VARIANT TYPE C1; NEUROVISCERAL STORAGE DISEASE WITH VERTICAL SUPRANUCLEAR OPHTHALMOPLEGIA; NIEMANN-PICK DISEASE WITH CHOLESTEROL ESTERIFICATION BLOCK; NIEMANN-PICK DISEASE WITHOUT SPHINGOMYELINASE DEFICIENCY; NIEMANN-PICK DISEASE, CHRONIC NEURONOPATHIC FORM. Identifiers: Orphanet 646, MedGen C3179455, MONDO:0009757, OMIM 257220.

Allele frequency attached by ClinVar (database versions not stated): gnomAD exomes below 0.00001.
gnomAD v4.1: 1 of 1,614,148 alleles (0.000062%); highest among the groups gnomAD compares: Non-Finnish European, 0.000085%; no homozygotes.

Submission:

Labcorp Genetics (formerly Invitae), Labcorp
Classification: Uncertain significance for Niemann-Pick disease, type C1. Last evaluated: 2022-08-24. Review status: criteria provided, single submitter. Criteria: Invitae Variant Classification Sherloc (09022015). Collection method: clinical testing. Allele origin: germline.
Comment: This sequence change replaces histidine, which is basic and polar, with arginine, which is basic and polar, at codon 492 of the NPC1 protein (p.His492Arg). This variant is not present in population databases (gnomAD no frequency). This variant has not been reported in the literature in individuals affected with NPC1-related conditions. Advanced modeling of protein sequence and biophysical properties (such as structural, functional, and spatial information, amino acid conservation, physicochemical variation, residue mobility, and thermodynamic stability) performed at Invitae indicates that this missense variant is not expected to disrupt NPC1 protein function. In summary, the available evidence is currently insufficient to determine the role of this variant in disease. Therefore, it has been classified as a Variant of Uncertain Significance.